The following is an entry in ClinVar:

NM_152443.3(RDH12):c.446T>C (p.Leu149Pro)

Genes: GPHN (gephyrin; plus strand), RDH12 (retinol dehydrogenase 12; plus strand). Cytogenetic location: 14q24.1.
Variant type: single nucleotide variant.
Coding change: c.446T>C on transcript NM_152443.3 (MANE Select); coding-DNA position 446, T replaced by C.
Protein change: p.Leu149Pro; replaces leucine 149 with proline.
Molecular consequence: missense variant.
Genome position (GRCh38, 1-based): chr14:67,726,153, T>C. VCF-style: chr14-67726153-T-C. GRCh37 (hg19) VCF-style: chr14-68192870-T-C.
Other names: short protein forms L149P.
Identifiers: ClinVar variation 866614 (VCV000866614.18), dbSNP rs747257567, ClinGen allele CA7238701.

ClinVar aggregate classification (germline): Pathogenic/Likely pathogenic. Review status: criteria provided, multiple submitters, no conflicts (2 of 4 stars). 6 submissions from 6 submitters: Pathogenic (4); Likely pathogenic (2). Last evaluated 2025-09-25.

Conditions:
Leber congenital amaurosis (LCA). Also called: Leber's amaurosis. Identifiers: Orphanet 65, MedGen C0339527, MeSH D057130, MONDO:0018998.
Leber congenital amaurosis 13 (LCA13). Identifiers: MedGen C2675186, MONDO:0012990, OMIM 612712.
RDH12-related disorder. Also called: RDH12-related disorders; RDH12-related condition.

Allele frequency attached by ClinVar (database versions not stated): gnomAD exomes below 0.00001 and 0.00001; gnomAD 0.00001; TOPMed 0.00001; ExAC 0.00002.
gnomAD v4.1: 4 of 1,590,528 alleles (0.00025%); highest among the groups gnomAD compares: Admixed American, 0.0067%; no homozygotes.

Submissions (6):

3billion
Classification: Pathogenic for Leber congenital amaurosis 13. Last evaluated: 2025-09-25. Review status: criteria provided, single submitter. Criteria: ACMG Guidelines, 2015. Collection method: clinical testing. Allele origin: germline. Affected: yes.
Comment: The variant is observed at an extremely low frequency in the gnomAD v4.1.0 dataset (total allele frequency: <0.001%). Predicted Consequence/Location: Missense variant In silico tool predictions suggest damaging effect of the variant on gene or gene product [REVEL: 0.91 (>=0.6, sensitivity 0.68 and specificity 0.92); 3Cnet: 0.60 (> 0.75, sensitivity 0.96 and precision 0.92)]. The same nucleotide change resulting in the same amino acid change has been previously reported as pathogenic/likely pathogenic with strong evidence (ClinVar ID: VCV000866614 /PMID: 23900199 /3billion dataset). The variant has been reported to be in trans with a pathogenic variant as either compound heterozygous or homozygous in at least one similarly affected unrelated individual (PMID: 23900199). The variant has been reported to co-segregate with the disease in at least 3 similarly affected relatives/individuals in the same family or similarly affected unrelated families (PMID: 23900199). Therefore, this variant is classified as Pathogenic according to the recommendation of ACMG/AMP guideline.

GeneDx
Classification: Pathogenic. Last evaluated: 2025-07-03. Review status: criteria provided, single submitter. Criteria: GeneDx Variant Classification Process June 2021. Collection method: clinical testing. Allele origin: germline. Affected: yes.
Comment: In silico analysis supports that this missense variant has a deleterious effect on protein structure/function; This variant is associated with the following publications: (PMID: 31736247, 31964843, 39693083, 23900199)

Labcorp Genetics (formerly Invitae), Labcorp
Classification: Pathogenic for Leber congenital amaurosis 13. Last evaluated: 2024-12-02. Review status: criteria provided, single submitter. Criteria: Invitae Variant Classification Sherloc (09022015). Collection method: clinical testing. Allele origin: germline.
Comment: This sequence change replaces leucine, which is neutral and non-polar, with proline, which is neutral and non-polar, at codon 149 of the RDH12 protein (p.Leu149Pro). This variant is present in population databases (rs747257567, gnomAD 0.009%). This missense change has been observed in individual(s) with autosomal recessive retinitis pigmentosa (PMID: 23900199). It has also been observed to segregate with disease in related individuals. ClinVar contains an entry for this variant (Variation ID: 866614). An algorithm developed to predict the effect of missense changes on protein structure and function (PolyPhen-2) suggests that this variant is likely to be disruptive. For these reasons, this variant has been classified as Pathogenic.

Natera, Inc.
Classification: Likely pathogenic for Leber congenital amaurosis. Last evaluated: 2024-11-01. Review status: criteria provided, single submitter. Criteria: Natera Variant Classification Schema (03/2026). Collection method: clinical testing. Allele origin: germline.
Comment: The c.446T>C variant in RDH12 is a missense variant predicted to cause substitution of leucine to proline at amino acid 149. This variant is rare in the general population with a frequency below the threshold expected for the associated phenotype(s). This variant has been observed in one or more individuals affected with the associated recessive disease, as either homozygous or compound heterozygous with a second variant (PMID: 23900199, 31736247). Additionally, this variant has been observed to segregate in affected family members (PMID: 23900199). Computational prediction algorithms indicate this variant is likely to affect gene or protein function. Given the available evidence, this variant is classified as Likely Pathogenic.

Baylor Genetics
Classification: Likely pathogenic for Leber congenital amaurosis 13. Last evaluated: 2024-02-29. Review status: criteria provided, single submitter. Criteria: ACMG Guidelines, 2015. Collection method: clinical testing. Allele origin: unknown.

Blueprint Genetics
Classification: Pathogenic for RDH12-related disorders. Last evaluated: 2021-03-23. Review status: criteria provided, single submitter. Criteria: ACMG Guidelines, 2015. Collection method: clinical testing. Allele origin: germline. Affected: yes. Observed: 3 variant alleles.

Literature cited by the submitters: PubMed 23900199 (cited by 3 submitters); PubMed 31736247 (cited by Natera, Inc.).